The following is an entry in ClinVar:

ClinVar aggregate classification (germline): Uncertain significance (1 of 4 stars; one submission).

Conditions:
SEMA3B-related disorder. Also called: SEMA3B-related condition.

gnomAD v4.1: 19 of 1,613,688 alleles (0.0012%); highest among the groups gnomAD compares: Admixed American, 0.0017%; no homozygotes.

Submission:

PreventionGenetics, part of Exact Sciences
Classification: Uncertain significance for SEMA3B-related condition. Last evaluated: 2024-12-12. Review status: criteria provided, single submitter. Criteria: ACMG Guidelines, 2015. Collection method: clinical testing. Allele origin: germline.
Comment: The SEMA3B c.1719A>G variant is not predicted to result in an amino acid change (p.=). To our knowledge, this variant has not been reported in the literature. This variant is reported in 0.0018% of alleles in individuals of European (Non-Finnish) descent in gnomAD. At this time, the clinical significance of this variant is uncertain due to the absence of conclusive functional and genetic evidence.

NM_001290060.2(SEMA3B):c.1704A>G (p.Gly568=)

Gene: SEMA3B (semaphorin 3B; plus strand). Cytogenetic location: 3p21.31.
Variant type: single nucleotide variant.
Coding change: c.1704A>G on transcript NM_001290060.2 (MANE Select); coding-DNA position 1704, A replaced by G.
Protein change: p.Gly568=; no amino-acid change (glycine 568 retained).
Molecular consequence: synonymous variant. On other transcripts: non-coding transcript variant (1).
Genome position (GRCh38, 1-based): chr3:50,275,614, A>G. VCF-style: chr3-50275614-A-G. GRCh37 (hg19) VCF-style: chr3-50313045-A-G.
Other names: c.1701A>G, p.Gly567= (NM_001005914.3, NM_001435957.1, NM_001435958.1); c.1719A>G, p.Gly573= (NM_001290061.1); c.675A>G, p.Gly225= (NM_001290062.2, NM_001290063.2); c.1704A>G, p.Gly568= (NM_001435956.1, NM_004636.4).
Identifiers: ClinVar variation 4983820 (VCV004983820.1).